The following is an entry in ClinVar:

ClinVar aggregate classification (germline): Uncertain significance. Review status: criteria provided, multiple submitters, no conflicts (2 of 4 stars). 3 submissions from 3 submitters: Uncertain significance (3). Last evaluated 2024-11-06.

Allele frequency attached by ClinVar (database versions not stated): TOPMed below 0.00001; gnomAD 0.00001; gnomAD exomes 0.00001 and 0.00002; ExAC 0.00002.
gnomAD v4.1: 9 of 1,614,088 alleles (0.00056%); highest among the groups gnomAD compares: Middle Eastern, 0.033%; no homozygotes.

Submissions (3):

Labcorp Genetics (formerly Invitae), Labcorp
Classification: Uncertain significance. Last evaluated: 2024-11-06. Review status: criteria provided, single submitter. Criteria: Invitae Variant Classification Sherloc (09022015). Collection method: clinical testing. Allele origin: germline.
Comment: This sequence change replaces threonine, which is neutral and polar, with serine, which is neutral and polar, at codon 83 of the REEP6 protein (p.Thr83Ser). This variant is present in population databases (rs745452438, gnomAD 0.0009%). This variant has not been reported in the literature in individuals affected with REEP6-related conditions. ClinVar contains an entry for this variant (Variation ID: 1450902). Experimental studies and prediction algorithms are not available or were not evaluated, and the functional significance of this variant is currently unknown. In summary, the available evidence is currently insufficient to determine the role of this variant in disease. Therefore, it has been classified as a Variant of Uncertain Significance.

Blueprint Genetics
Classification: Uncertain significance. Last evaluated: 2024-02-09. Review status: criteria provided, single submitter. Criteria: ACMG Guidelines, 2015. Collection method: clinical testing. Allele origin: germline.

Breakthrough Genomics
Classification: Uncertain significance. Review status: criteria provided, single submitter. Criteria: ACMG Guidelines, 2015. Collection method: not provided. Allele origin: germline. Inheritance: Autosomal recessive inheritance. Affected: yes.

NM_138393.4(REEP6):c.248C>G (p.Thr83Ser)

Gene: REEP6 (receptor accessory protein 6; plus strand). Cytogenetic location: 19p13.3.
Variant type: single nucleotide variant.
Coding change: c.248C>G on transcript NM_138393.4 (MANE Select); coding-DNA position 248, C replaced by G.
Protein change: p.Thr83Ser; replaces threonine 83 with serine.
Molecular consequence: missense variant.
Genome position (GRCh38, 1-based): chr19:1,495,507, C>G. VCF-style: chr19-1495507-C-G. GRCh37 (hg19) VCF-style: chr19-1495506-C-G.
Other names: c.248C>G, p.Thr83Ser (NM_001329556.3); short protein forms T83S.
Identifiers: ClinVar variation 1450902 (VCV001450902.8), dbSNP rs745452438, ClinGen allele CA9047464.